The following is an entry in ClinVar:

NM_007294.4(BRCA1):c.3308G>C (p.Cys1103Ser)

Genes: BRCA1 (BRCA1 DNA repair associated; minus strand), LOC126862571 (BRD4-independent group 4 enhancer GRCh37_chr17:41243136-41244335; plus strand). Cytogenetic location: 17q21.31.
Variant type: single nucleotide variant.
Coding change: c.3308G>C on transcript NM_007294.4 (MANE Select); coding-DNA position 3308, G replaced by C.
Protein change: p.Cys1103Ser; replaces cysteine 1103 with serine.
Molecular consequence: missense variant. On other transcripts: intron variant (137).
Genome position (GRCh38, 1-based): chr17:43,092,223, C>G on the plus strand (G>C on the coding strand, the complement: BRCA1 is on the minus strand). VCF-style: chr17-43092223-C-G. GRCh37 (hg19) VCF-style: chr17-41244240-C-G.
Other names: c.3044G>C, p.Cys1015Ser (NM_001407928.1, NM_001407929.1, NM_001407933.1 and 9 more transcripts); c.3230G>C, p.Cys1077Ser (NM_001407656.1, NM_001407657.1, NM_001407658.1 and 4 more transcripts); c.3041G>C, p.Cys1014Ser (NM_001407930.1, NM_001407931.1, NM_001407932.1 and 2 more transcripts); c.3167G>C, p.Cys1056Ser (NM_001407728.1, NM_001407729.1, NM_001407698.1 and 29 more transcripts); c.3227G>C, p.Cys1076Ser (NM_001407659.1, NM_001407662.1, NM_001407660.1 and 1 more transcripts); c.3185G>C, p.Cys1062Ser (NM_001407664.1, NM_001407937.1, NM_001407938.1 and 19 more transcripts); c.3182G>C, p.Cys1061Ser (NM_001407940.1, NM_001407941.1, NM_001407649.1 and 11 more transcripts); c.3164G>C, p.Cys1055Ser (NM_001407740.1, NM_001407741.1, NM_001407742.1 and 20 more transcripts); and 41 more; short protein forms C1014S, C1015S, C1033S, C1103S, C935S, C991S, C1032S, C1035S.
Identifiers: ClinVar variation 1730038 (VCV001730038.4), dbSNP rs80357135, ClinGen allele CA10595371.

ClinVar aggregate classification (germline): Conflicting classifications of pathogenicity. Review status: criteria provided, conflicting classifications (1 of 4 stars). 2 submissions from 2 submitters: Uncertain significance (1); Likely benign (1). Last evaluated 2023-03-23.

Conditions:
Hereditary cancer-predisposing syndrome. Also called: Neoplastic Syndromes, Hereditary; Tumor predisposition; Hereditary Cancer Syndrome; Hereditary neoplastic syndrome. Identifiers: Orphanet 140162, MedGen C0027672, MeSH D009386, MONDO:0015356.

Submissions (2):

University of Washington Department of Laboratory Medicine, University of Washington
Classification: Likely benign for Hereditary cancer-predisposing syndrome. Last evaluated: 2023-03-23. Review status: criteria provided, single submitter. Criteria: Dines et al. (Genet Med. 2020). Collection method: curation. Allele origin: germline.
Comment: Missense variant in a coldspot region where missense variants are very unlikely to be pathogenic (PMID:31911673).

BRCA1 coldspot (exon 11 using historical exon numbering). Reclassification based on statistical prior probability

Ambry Genetics
Classification: Uncertain significance for Hereditary cancer-predisposing syndrome. Last evaluated: 2022-05-14. Review status: criteria provided, single submitter. Criteria: Ambry Variant Classification Scheme 2023. Collection method: clinical testing. Allele origin: germline.
Comment: The p.C1103S variant (also known as c.3308G>C), located in coding exon 9 of the BRCA1 gene, results from a G to C substitution at nucleotide position 3308. The cysteine at codon 1103 is replaced by serine, an amino acid with dissimilar properties. This amino acid position is conserved. In addition, the in silico prediction for this alteration is inconclusive. Since supporting evidence is limited at this time, the clinical significance of this alteration remains unclear.